The following is an entry in ClinVar:

ClinVar aggregate classification (germline): Uncertain significance (1 of 4 stars; one submission).

Conditions:
Craniolenticulosutural dysplasia (CLSD). Also called: BOYADJIEV-JABS SYNDROME. Identifiers: Orphanet 50814, MedGen C1843042, MONDO:0011911, OMIM 607812.

Allele frequency attached by ClinVar (database versions not stated): gnomAD exomes below 0.00001; TOPMed 0.00002; gnomAD 0.00001.
gnomAD v4.1: 9 of 1,609,484 alleles (0.00056%); highest among the groups gnomAD compares: Admixed American, 0.0017%; no homozygotes.

Submission:

Labcorp Genetics (formerly Invitae), Labcorp
Classification: Uncertain significance for Craniolenticulosutural dysplasia. Last evaluated: 2023-01-23. Review status: criteria provided, single submitter. Criteria: Invitae Variant Classification Sherloc (09022015). Collection method: clinical testing. Allele origin: germline.
Comment: Variants that disrupt the consensus splice site are a relatively common cause of aberrant splicing (PMID: 17576681, 9536098). Algorithms developed to predict the effect of sequence changes on RNA splicing suggest that this variant is not likely to affect RNA splicing. In summary, the available evidence is currently insufficient to determine the role of this variant in disease. Therefore, it has been classified as a Variant of Uncertain Significance. ClinVar contains an entry for this variant (Variation ID: 576528). This variant has not been reported in the literature in individuals affected with SEC23A-related conditions. This variant is present in population databases (no rsID available, gnomAD 0.003%). This sequence change falls in intron 19 of the SEC23A gene. It does not directly change the encoded amino acid sequence of the SEC23A protein. It affects a nucleotide within the consensus splice site.

Literature cited by the submitters: PubMed 17576681; PubMed 9536098.

NM_006364.4(SEC23A):c.2208+6T>A

Gene: SEC23A (SEC23 homolog A, COPII component; minus strand). Cytogenetic location: 14q21.1.
Variant type: single nucleotide variant.
Coding change: c.2208+6T>A on transcript NM_006364.4 (MANE Select); 6 bases into the intron after coding-DNA position 2208, T replaced by A.
Molecular consequence: intron variant.
Genome position (GRCh38, 1-based): chr14:39,039,025, A>T on the plus strand (T>A on the coding strand, the complement: SEC23A is on the minus strand). VCF-style: chr14-39039025-A-T. GRCh37 (hg19) VCF-style: chr14-39508229-A-T.
Identifiers: ClinVar variation 576528 (VCV000576528.8), dbSNP rs1421920689, ClinGen allele CA613539057.